The following is an entry in ClinVar:

ClinVar aggregate classification (germline): Likely benign. Review status: criteria provided, multiple submitters, no conflicts (2 of 4 stars). 7 submissions from 7 submitters: Likely benign (7). Last evaluated 2025-12-23.

Conditions:
Familial ovarian cancer. Identifiers: MedGen C5679802, MONDO:0016248.
Hereditary cancer-predisposing syndrome. Also called: Hereditary neoplastic syndrome; Tumor predisposition; Neoplastic Syndromes, Hereditary; Hereditary Cancer Syndrome. Identifiers: Orphanet 140162, MedGen C0027672, MeSH D009386, MONDO:0015356.
Peutz-Jeghers syndrome (PJS). Also called: Peutz-Jeghers polyposis; Periorificial lentiginosis syndrome; POLYPOSIS, HAMARTOMATOUS INTESTINAL; POLYPS-AND-SPOTS SYNDROME. Identifiers: Orphanet 2869, MedGen C0031269, MeSH D010580, MONDO:0008280, OMIM 175200.

Allele frequency attached by ClinVar (database versions not stated): gnomAD 0.00001; TOPMed 0.00001.
gnomAD v4.1: 4 of 1,593,782 alleles (0.00025%); highest among the groups gnomAD compares: Non-Finnish European, 0.00034%; no homozygotes.

Submissions (7):

Labcorp Genetics (formerly Invitae), Labcorp
Classification: Likely benign for Peutz-Jeghers syndrome. Last evaluated: 2025-12-23. Review status: criteria provided, single submitter. Criteria: Invitae Variant Classification Sherloc (09022015). Collection method: clinical testing. Allele origin: germline.

Myriad Genetics, Inc.
Classification: Likely benign for Peutz-Jeghers syndrome. Last evaluated: 2025-03-26. Review status: criteria provided, single submitter. Criteria: Myriad Autosomal Dominant, Autosomal Recessive and X-Linked Classification Criteria (2023). Collection method: clinical testing. Allele origin: unknown.
Comment: This variant is considered likely benign. This variant is intronic and is not expected to impact mRNA splicing.

ARUP Laboratories, Molecular Genetics and Genomics, ARUP Laboratories
Classification: Likely benign. Last evaluated: 2024-11-26. Review status: criteria provided, single submitter. Criteria: ARUP Molecular Germline Variant Investigation Process 2024. Collection method: clinical testing. Allele origin: germline.

Department of Pathology and Laboratory Medicine, Sinai Health System
Classification: Likely benign for familial ovarian cancer. Last evaluated: 2024-09-04. Review status: criteria provided, single submitter. Criteria: ACMG Guidelines, 2015. Collection method: clinical testing. Allele origin: germline.

All of Us Research Program, National Institutes of Health
Classification: Likely benign for Peutz-Jeghers syndrome. Last evaluated: 2024-05-30. Review status: criteria provided, single submitter. Criteria: ACMG Guidelines, 2015. Collection method: clinical testing. Allele origin: germline. Inheritance: Autosomal dominant inheritance. Observed: 5 variant alleles, 5 heterozygotes.
Comment: This study involves interpretation of variants in research participants for the purpose of population health screening. Participant phenotype was not available at the time of variant classification. Additional details can be found in publication PMID: 35346344, PMCID: PMC8962531

Color Diagnostics, LLC DBA Color Health
Classification: Likely benign for Hereditary cancer-predisposing syndrome. Last evaluated: 2020-12-15. Review status: criteria provided, single submitter. Criteria: ACMG Guidelines, 2015. Collection method: clinical testing. Allele origin: germline.

GeneDx
Classification: Likely benign. Last evaluated: 2015-11-11. Review status: criteria provided, single submitter. Criteria: GeneDx Variant Classification (06012015). Collection method: clinical testing. Allele origin: germline. Affected: yes.
Comment: This variant is considered likely benign or benign based on one or more of the following criteria: it is a conservative change, it occurs at a poorly conserved position in the protein, it is predicted to be benign by multiple in silico algorithms, and/or has population frequency not consistent with disease.

NM_000455.5(STK11):c.465-15G>T

Gene: STK11 (serine/threonine kinase 11; plus strand). Cytogenetic location: 19p13.3.
Variant type: single nucleotide variant.
Coding change: c.465-15G>T on transcript NM_000455.5 (MANE Select); 15 bases into the intron before coding-DNA position 465, G replaced by T.
Molecular consequence: intron variant.
Genome position (GRCh38, 1-based): chr19:1,220,358, G>T. VCF-style: chr19-1220358-G-T. GRCh37 (hg19) VCF-style: chr19-1220357-G-T.
Identifiers: ClinVar variation 379314 (VCV000379314.18), dbSNP rs765010137, ClinGen allele CA16607689.
Genomic context (GRCh38, chr19:1,220,358, plus strand): 5'-CCAGGCAGCTGCAAAGGGGACCCCTGTGAGGGGCAGGGAGGCCTCGGCCCCAGGACGGGT[G>T]TGTGCTGCCCGCAGGTACTTCTGTCAGCTGATTGACGGCCTGGAGTACCTGCATAGCCAG-3'